The following is an entry in ClinVar:

NM_015474.4(SAMHD1):c.1016G>A (p.Arg339His)

Gene: SAMHD1 (SAM and HD domain containing deoxynucleoside triphosphate triphosphohydrolase 1; minus strand). Cytogenetic location: 20q11.23.
Variant type: single nucleotide variant.
Coding change: c.1016G>A on transcript NM_015474.4 (MANE Select); coding-DNA position 1016, G replaced by A.
Protein change: p.Arg339His; replaces arginine 339 with histidine.
Molecular consequence: missense variant.
Genome position (GRCh38, 1-based): chr20:36,916,768, C>T on the plus strand (G>A on the coding strand, the complement: SAMHD1 is on the minus strand). VCF-style: chr20-36916768-C-T. GRCh37 (hg19) VCF-style: chr20-35545171-C-T.
Other names: c.1016G>A, p.Arg339His (NM_001363729.2, NM_001363733.2); short protein forms R339H.
Identifiers: ClinVar variation 1404782 (VCV001404782.3), dbSNP rs201250022, ClinGen allele CA9844608.

ClinVar aggregate classification (germline): Uncertain significance (1 of 4 stars; one submission).

Conditions:
Aicardi-Goutieres syndrome 5. Identifiers: Orphanet 51, MedGen C2749659, MONDO:0013059, OMIM 612952.

Allele frequency attached by ClinVar (database versions not stated): gnomAD 0.00001; ExAC 0.00002; gnomAD exomes 0.00002 and 0.00003; TOPMed 0.00002.
gnomAD v4.1: 45 of 1,613,840 alleles (0.0028%); highest among the groups gnomAD compares: Admixed American, 0.0067%; no homozygotes.

Submission:

Labcorp Genetics (formerly Invitae), Labcorp
Classification: Uncertain significance for Aicardi-Goutieres syndrome 5. Last evaluated: 2021-12-13. Review status: criteria provided, single submitter. Criteria: Invitae Variant Classification Sherloc (09022015). Collection method: clinical testing. Allele origin: germline.
Comment: This sequence change replaces arginine, which is basic and polar, with histidine, which is basic and polar, at codon 339 of the SAMHD1 protein (p.Arg339His). This variant is present in population databases (rs201250022, gnomAD 0.006%). This variant has not been reported in the literature in individuals affected with SAMHD1-related conditions. Algorithms developed to predict the effect of missense changes on protein structure and function (SIFT, PolyPhen-2, Align-GVGD) all suggest that this variant is likely to be disruptive. In summary, the available evidence is currently insufficient to determine the role of this variant in disease. Therefore, it has been classified as a Variant of Uncertain Significance.